The following is an entry in ClinVar:

ClinVar aggregate classification (germline): Pathogenic (1 of 4 stars; one submission).

Conditions:
Developmental and epileptic encephalopathy, 2 (DEE2). Also called: INFANTILE SPASM SYNDROME, X-LINKED 2; CDKL5 deficiency disorder. Identifiers: Orphanet 1934, Orphanet 3451, Orphanet 505652, MedGen C4750718, MONDO:0010396, OMIM 300672.
Angelman syndrome-like. Identifiers: MedGen CN128785.

Submission:

Labcorp Genetics (formerly Invitae), Labcorp
Classification: Pathogenic for Developmental and epileptic encephalopathy, 2; Angelman syndrome-like. Last evaluated: 2016-11-10. Review status: criteria provided, single submitter. Criteria: Invitae Variant Classification Sherloc (09022015). Collection method: clinical testing. Allele origin: germline.
Comment: For these reasons, this variant has been classified as Pathogenic. This sequence change deletes 1 nucleotide from exon 13 of the CDKL5 mRNA (c.2022delC), causing a frameshift at codon 675. This creates a premature translational stop signal (p.Phe675Serfs*109) and is expected to result in an absent or disrupted protein product. While this particular variant has not been reported in the literature, loss-of-function variants in CDKL5 are known to be pathogenic (PMID: 21160487, 21770923).

Literature cited by the submitters: PubMed 21160487; PubMed 21770923.

NM_001323289.2(CDKL5):c.2022del (p.Phe675fs)

Gene: CDKL5 (cyclin dependent kinase like 5; plus strand). Cytogenetic location: Xp22.13.
Variant type: Deletion.
Coding change: c.2022del on transcript NM_001323289.2 (MANE Select); coding-DNA position 2022, one base deleted (C; older notation c.2022delC).
Protein change: p.Phe675fs; shifts the reading frame from phenylalanine 675.
Molecular consequence: frameshift variant.
Genome position (GRCh38, 1-based): chrX:18,608,888, C deleted; the last of 2 consecutive C bases (chrX:18,608,887-18,608,888); deleting either gives the same sequence. VCF-style (leftmost placement, unchanged base first): chrX-18608886-TC-T. GRCh37 (hg19) VCF-style: chrX-18627006-TC-T.
Other names: c.2022delC (NM_003159.2); c.2022del, p.Phe675fs (NM_001037343.2, NM_003159.3); short protein forms F675fs.
Identifiers: ClinVar variation 408123 (VCV000408123.7), dbSNP rs1060501860, ClinGen allele CA16616462.
Genomic context (GRCh38, chrX:18,608,886, plus strand): 5'-CCTCCAGAGATGACTGTGGCAAGATCTTCGGTCAAAGAGACCTCCAGAGAAGGCACCTCT[TC>T]CTTCCATACACGCCAGAAGTCTGAGGTATGTCACAATAAAATATGCCTGTAAACATTTGT-3'